The following is an entry in ClinVar:

NM_018406.7(MUC4):c.15009A>C (p.Thr5003=)

Gene: MUC4 (mucin 4, cell surface associated). Cytogenetic location: 3q29.
Variant type: single nucleotide variant.
Coding change: c.15009A>C on transcript NM_018406.7 (MANE Select); coding-DNA position 15009, A replaced by C.
Protein change: p.Thr5003=; no amino-acid change (threonine 5003 retained).
Molecular consequence: synonymous variant.
Genome position (GRCh38, 1-based): chr3:195,757,306, T>G on the plus strand (A>C on the coding strand, the complement: MUC4 is on the minus strand). VCF-style: chr3-195757306-T-G. GRCh37 (hg19) VCF-style: chr3-195484177-T-G.
Other names: c.21027A>C, p.Thr7009= (NM_001322468.1); c.2301A>C, p.Thr767= (NM_004532.6); c.2148A>C, p.Thr716= (NM_138297.5).
Identifiers: ClinVar variation 2672970 (VCV002672970.23), dbSNP rs761452349, ClinGen allele CA2767670.

ClinVar aggregate classification (germline): Likely benign (1 of 4 stars; one submission).

Allele frequency attached by ClinVar (database versions not stated): gnomAD exomes 0.00001; gnomAD 0.00002; TOPMed 0.00002; ExAC 0.00003.
gnomAD v4.1: 16 of 1,607,364 alleles (0.001%); highest among the groups gnomAD compares: Non-Finnish European, 0.0012%; no homozygotes.

Submission:

CeGaT Center for Human Genetics Tuebingen
Classification: Likely benign. Last evaluated: 2023-11-01. Review status: criteria provided, single submitter. Criteria: CeGaT Center For Human Genetics Tuebingen Variant Classification Criteria Version 2. Collection method: clinical testing. Allele origin: germline. Affected: yes. Observed: 1 variant allele.
Comment: MUC4: BP4, BP7